The following is an entry in ClinVar:

NM_004426.3(PHC1):c.162C>T (p.His54=)

Gene: PHC1 (polyhomeotic homolog 1; plus strand). Cytogenetic location: 12p13.31.
Variant type: single nucleotide variant.
Coding change: c.162C>T on transcript NM_004426.3 (MANE Select); coding-DNA position 162, C replaced by T.
Protein change: p.His54=; no amino-acid change (histidine 54 retained).
Molecular consequence: synonymous variant.
Genome position (GRCh38, 1-based): chr12:8,919,803, C>T. VCF-style: chr12-8919803-C-T. GRCh37 (hg19) VCF-style: chr12-9072399-C-T.
Identifiers: ClinVar variation 436300 (VCV000436300.18), dbSNP rs140650800, ClinGen allele CA6436740.
Genomic context (GRCh38, chr12:8,919,803, plus strand): 5'-TCTCTTTTCCTAGGCTCTGCAAGCACTGCAGCGGCAGCCCAATGCAGCTCAGTATTTCCA[C>T]CAGTTCATGCTCCAGCAGCAGCTCAGTAATGCCCAGCTGCATAGCCTGGCTGCCGTCCAG-3'
Protein context (NP_004417.2, residues 44-64): QRQPNAAQYF[His54=]QFMLQQQLSN

ClinVar aggregate classification (germline): Likely benign. Review status: criteria provided, multiple submitters, no conflicts (2 of 4 stars). 4 submissions from 4 submitters: Likely benign (4). Last evaluated 2025-06-01.

Conditions:
PHC1-related disorder. Also called: PHC1-related condition.

Allele frequency attached by ClinVar (database versions not stated): gnomAD 0.00052 and 0.00054; TOPMed 0.00058; 1000 Genomes Project 0.00060; gnomAD exomes 0.00060 and 0.00077; 1000 Genomes Project 30x 0.00062; ESP Exome Variant Server 0.00062; ExAC 0.00080.
gnomAD v4.1: 1,210 of 1,612,592 alleles (0.075%); highest among the groups gnomAD compares: Non-Finnish European, 0.091%; 1 homozygote.

Submissions (4):

CeGaT Center for Human Genetics Tuebingen
Classification: Likely benign. Last evaluated: 2025-06-01. Review status: criteria provided, single submitter. Criteria: CeGaT Center For Human Genetics Tuebingen Variant Classification Criteria Version 2. Collection method: clinical testing. Allele origin: germline. Affected: yes. Observed: 1 variant allele.
Comment: PHC1: BP4

PreventionGenetics, part of Exact Sciences
Classification: Likely benign for PHC1-related condition. Last evaluated: 2025-01-29. Review status: criteria provided, single submitter. Criteria: ACMG Guidelines, 2015. Collection method: clinical testing. Allele origin: germline.
Comment: This variant is classified as likely benign based on ACMG/AMP sequence variant interpretation guidelines (Richards et al. 2015 PMID: 25741868, with internal and published modifications).

Blueprint Genetics
Classification: Likely benign. Last evaluated: 2024-05-13. Review status: criteria provided, single submitter. Criteria: ACMG Guidelines, 2015. Collection method: clinical testing. Allele origin: germline.

Genetic Services Laboratory, University of Chicago
Classification: Likely benign. Last evaluated: 2017-02-20. Review status: criteria provided, single submitter. Criteria: ACMG Guidelines, 2015. Collection method: clinical testing. Allele origin: germline. Affected: no.